The following is an entry in ClinVar:

NM_017433.5(MYO3A):c.3253A>G (p.Ser1085Gly)

Gene: MYO3A (myosin IIIA; plus strand). Cytogenetic location: 10p12.1.
Variant type: single nucleotide variant.
Coding change: c.3253A>G on transcript NM_017433.5 (MANE Select); coding-DNA position 3253, A replaced by G.
Protein change: p.Ser1085Gly; replaces serine 1085 with glycine.
Molecular consequence: missense variant.
Genome position (GRCh38, 1-based): chr10:26,168,853, A>G. VCF-style: chr10-26168853-A-G. GRCh37 (hg19) VCF-style: chr10-26457782-A-G.
Other names: short protein forms S1085G.
Identifiers: ClinVar variation 929906 (VCV000929906.8), dbSNP rs1191332923, ClinGen allele CA376337638.

ClinVar aggregate classification (germline): Uncertain significance. Review status: criteria provided, multiple submitters, no conflicts (2 of 4 stars). 2 submissions from 2 submitters: Uncertain significance (2). Last evaluated 2024-10-29.

Allele frequency attached by ClinVar (database versions not stated): gnomAD exomes below 0.00001.
gnomAD v4.1: 2 of 1,611,498 alleles (0.00012%); highest among the groups gnomAD compares: Admixed American, 0.0017%; no homozygotes.

Submissions (2):

Labcorp Genetics (formerly Invitae), Labcorp
Classification: Uncertain significance. Last evaluated: 2024-10-29. Review status: criteria provided, single submitter. Criteria: Invitae Variant Classification Sherloc (09022015). Collection method: clinical testing. Allele origin: germline.
Comment: This sequence change replaces serine, which is neutral and polar, with glycine, which is neutral and non-polar, at codon 1085 of the MYO3A protein (p.Ser1085Gly). This variant is present in population databases (no rsID available, gnomAD 0.003%). This variant has not been reported in the literature in individuals affected with MYO3A-related conditions. ClinVar contains an entry for this variant (Variation ID: 929906). Invitae Evidence Modeling of protein sequence and biophysical properties (such as structural, functional, and spatial information, amino acid conservation, physicochemical variation, residue mobility, and thermodynamic stability) indicates that this missense variant is not expected to disrupt MYO3A protein function with a negative predictive value of 80%. In summary, the available evidence is currently insufficient to determine the role of this variant in disease. Therefore, it has been classified as a Variant of Uncertain Significance.

Laboratory for Molecular Medicine, Mass General Brigham Personalized Medicine
Classification: Uncertain significance. Last evaluated: 2019-06-26. Review status: criteria provided, single submitter. Criteria: LMM Criteria. Collection method: clinical testing. Allele origin: germline. Observed: 1 variant allele.
Comment: The p.Ser1085Gly variant in MYO3A has not been previously reported in individuals with hearing loss but has been identified in 0.002% (1/34550) of Latino chromosomes by gnomAD. Computational prediction tools and conservation analysis do not provide strong support for or against an impact to the protein. In summary, the clinical significance of this variant is uncertain. ACMG/AMP Criteria applied: PM2.